The following is an entry in ClinVar:

NM_018062.4(FANCL):c.540+9614G>T

Gene: FANCL (FA complementation group L; minus strand). Cytogenetic location: 2p16.1.
Variant type: single nucleotide variant.
Coding change: c.540+9614G>T on transcript NM_018062.4 (MANE Select); 9614 bases into the intron after coding-DNA position 540, G replaced by T.
Molecular consequence: intron variant.
Genome position (GRCh38, 1-based): chr2:58,188,980, C>A on the plus strand (G>T on the coding strand, the complement: FANCL is on the minus strand). VCF-style: chr2-58188980-C-A. GRCh37 (hg19) VCF-style: chr2-58416115-C-A.
Other names: c.585+5249G>T (NM_001374615.1); c.555+9599G>T (NM_001114636.2); c.600+5249G>T (NM_001410792.1).
Identifiers: ClinVar variation 3904786 (VCV003904786.10).
Genomic context (GRCh38, chr2:58,188,980, plus strand): 5'-TTACCAAAAAAAGAATGAACTATATTACATGCTACAACATGGTTGAATCTCCAAGTAATT[C>A]TGCCAAGGAAAAAAGACTGGCACAGAAAAGTACCCAGAATTATATAAGATTCTGTAAACT-3'

ClinVar aggregate classification (germline): Benign (1 of 4 stars; one submission).

gnomAD v4.1: 109,042 of 151,994 alleles (72%); highest among the groups gnomAD compares: African/African-American, 91%; 40,226 homozygotes.

Submission:

CeGaT Center for Human Genetics Tuebingen
Classification: Benign. Last evaluated: 2025-06-01. Review status: criteria provided, single submitter. Criteria: CeGaT Center For Human Genetics Tuebingen Variant Classification Criteria Version 2. Collection method: clinical testing. Allele origin: germline. Affected: yes. Observed: 1 variant allele.
Comment: FANCL: BS1, BS2